The following is an entry in ClinVar:

NM_005094.4(SLC27A4):c.1904G>A (p.Arg635His)

Gene: SLC27A4 (solute carrier family 27 member 4; plus strand). Cytogenetic location: 9q34.11.
Variant type: single nucleotide variant.
Coding change: c.1904G>A on transcript NM_005094.4 (MANE Select); coding-DNA position 1904, G replaced by A.
Protein change: p.Arg635His; replaces arginine 635 with histidine.
Molecular consequence: missense variant.
Genome position (GRCh38, 1-based): chr9:128,360,463, G>A. VCF-style: chr9-128360463-G-A. GRCh37 (hg19) VCF-style: chr9-131122742-G-A.
Other names: short protein forms R635H.
Identifiers: ClinVar variation 156257 (VCV000156257.3), dbSNP rs587776386, ClinGen allele CA235568.

ClinVar aggregate classification (germline): Uncertain significance. Review status: criteria provided, single submitter (1 of 4 stars). 2 submissions from 2 submitters: Uncertain significance (1). 1 of the submissions does not count toward it. Last evaluated 2025-05-05.

Conditions:
SLC27A4-related disorder. Also called: SLC27A4-related condition.

Allele frequency attached by ClinVar (database versions not stated): gnomAD exomes 0.00001; gnomAD 0.00002; TOPMed 0.00002.
gnomAD v4.1: 13 of 1,613,912 alleles (0.00081%); highest among the groups gnomAD compares: African/African-American, 0.0053%; no homozygotes.

Submissions (2):

PreventionGenetics, part of Exact Sciences
Classification: Uncertain significance for SLC27A4-related condition. Last evaluated: 2025-05-05. Review status: criteria provided, single submitter. Criteria: ACMG Guidelines, 2015. Collection method: clinical testing. Allele origin: germline.
Comment: The SLC27A4 c.1904G>A variant is predicted to result in the amino acid substitution p.Arg635His. To our knowledge, this variant has not been reported in the literature. This variant is reported in 0.023% of alleles in individuals of African descent in gnomAD. At this time, the clinical significance of this variant is uncertain due to the absence of conclusive functional and genetic evidence.

Laboratory for Molecular Psychiatry, RIKEN
No classification provided. Review status: no classification provided. Collection method: not provided. Allele origin: not provided. Not counted in ClinVar's aggregate classification.